The following is an entry in ClinVar:

ClinVar aggregate classification (germline): Uncertain significance. Review status: criteria provided, multiple submitters, no conflicts (2 of 4 stars). 2 submissions from 2 submitters: Uncertain significance (2). Last evaluated 2024-07-08.

Conditions:
Inborn genetic diseases. Identifiers: MedGen C0950123, MeSH D030342.

Submissions (2):

Ambry Genetics
Classification: Uncertain significance for Inborn genetic diseases. Last evaluated: 2024-07-08. Review status: criteria provided, single submitter. Criteria: Ambry Variant Classification Scheme 2023. Collection method: clinical testing. Allele origin: germline.
Comment: The p.Q2484K variant (also known as c.7450C>A), located in coding exon 50 of the LRRK2 gene, results from a C to A substitution at nucleotide position 7450. The glutamine at codon 2484 is replaced by lysine, an amino acid with similar properties. This amino acid position is conserved. In addition, this alteration is predicted to be tolerated by in silico analysis. Since supporting evidence is limited at this time, the clinical significance of this alteration remains unclear.

Revvity Omics, Revvity
Classification: Uncertain significance. Last evaluated: 2021-04-16. Review status: criteria provided, single submitter. Criteria: ACMG Guidelines, 2015. Collection method: clinical testing. Allele origin: germline.

NM_198578.4(LRRK2):c.7450C>A (p.Gln2484Lys)

Gene: LRRK2 (leucine rich repeat kinase 2; plus strand). Cytogenetic location: 12q12.
Variant type: single nucleotide variant.
Coding change: c.7450C>A on transcript NM_198578.4 (MANE Select); coding-DNA position 7450, C replaced by A.
Protein change: p.Gln2484Lys; replaces glutamine 2484 with lysine.
Molecular consequence: missense variant.
Genome position (GRCh38, 1-based): chr12:40,367,065, C>A. VCF-style: chr12-40367065-C-A. GRCh37 (hg19) VCF-style: chr12-40760867-C-A.
Other names: short protein forms Q2484K.
Identifiers: ClinVar variation 1758979 (VCV001758979.5), dbSNP rs2500058679, ClinGen allele CA384415844.